The following is an entry in ClinVar:

NM_015368.4(PANX1):c.1133T>C (p.Val378Ala)

Gene: PANX1 (pannexin 1; plus strand). Cytogenetic location: 11q21.
Variant type: single nucleotide variant.
Coding change: c.1133T>C on transcript NM_015368.4 (MANE Select); coding-DNA position 1133, T replaced by C.
Protein change: p.Val378Ala; replaces valine 378 with alanine.
Molecular consequence: missense variant.
Genome position (GRCh38, 1-based): chr11:94,180,189, T>C. VCF-style: chr11-94180189-T-C. GRCh37 (hg19) VCF-style: chr11-93913355-T-C.
Other names: short protein forms V378A.
Identifiers: ClinVar variation 726979 (VCV000726979.8), dbSNP rs148324299, ClinGen allele CA6234174.

ClinVar aggregate classification (germline): Conflicting classifications of pathogenicity. Review status: criteria provided, conflicting classifications (1 of 4 stars). 4 submissions from 4 submitters: Uncertain significance (1); Likely benign (2). 1 of the submissions does not count toward it. Last evaluated 2024-10-16.

Conditions:
PANX1-related disorder. Also called: PANX1-related condition.
Oocyte maturation defect 7. Also called: OOCYTE/ZYGOTE/EMBRYO MATURATION ARREST 7. Identifiers: MedGen C5231407, MONDO:0032810, OMIM 618550.

Allele frequency attached by ClinVar (database versions not stated): gnomAD 0.00019 and 0.00021; TOPMed 0.00023; ExAC 0.00028; gnomAD exomes 0.00032; 1000 Genomes Project 30x 0.00062; 1000 Genomes Project 0.00080.
gnomAD v4.1: 251 of 1,613,878 alleles (0.016%); highest among the groups gnomAD compares: East Asian, 0.41%; no homozygotes.

Submissions (4):

Blueprint Genetics
Classification: Likely benign. Last evaluated: 2024-10-16. Review status: criteria provided, single submitter. Criteria: ACMG Guidelines, 2015. Collection method: clinical testing. Allele origin: germline.

Department of Pathology and Laboratory Medicine, Sinai Health System
Classification: Uncertain significance for Oocyte maturation defect 7. Last evaluated: 2023-10-24. Review status: criteria provided, single submitter. Criteria: ACMG Guidelines, 2015. Collection method: research. Allele origin: germline.

Labcorp Genetics (formerly Invitae), Labcorp
Classification: Likely benign. Last evaluated: 2019-12-31. Review status: criteria provided, single submitter. Criteria: Invitae Variant Classification Sherloc (09022015). Collection method: clinical testing. Allele origin: germline.

PreventionGenetics, part of Exact Sciences
Classification: Likely benign for PANX1-related condition. Last evaluated: 2022-02-10. Review status: no assertion criteria provided. Collection method: clinical testing. Allele origin: germline. Not counted in ClinVar's aggregate classification.
Comment: This variant is classified as likely benign based on ACMG/AMP sequence variant interpretation guidelines (Richards et al. 2015 PMID: 25741868, with internal and published modifications).